The following is an entry in ClinVar:

NM_139343.3(BIN1):c.858-5C>T

Gene: BIN1 (bridging integrator 1; minus strand). Cytogenetic location: 2q14.3.
Variant type: single nucleotide variant.
Coding change: c.858-5C>T on transcript NM_139343.3 (MANE Select); 5 bases into the intron before coding-DNA position 858, C replaced by T.
Molecular consequence: intron variant.
Genome position (GRCh38, 1-based): chr2:127,059,160, G>A on the plus strand (C>T on the coding strand, the complement: BIN1 is on the minus strand). VCF-style: chr2-127059160-G-A. GRCh37 (hg19) VCF-style: chr2-127816736-G-A.
Other names: c.777-5C>T (NM_001320642.1); c.693-5C>T (NM_001320634.1); c.765-5C>T (NM_139351.3, NM_139350.3, NM_139349.3 and 3 more transcripts); c.810-5C>T (NM_001320632.2, NM_004305.4, NM_139346.3); c.858-5C>T (NM_001320633.2, NM_139345.3, NM_139344.3 and 1 more transcripts).
Identifiers: ClinVar variation 461712 (VCV000461712.15), dbSNP rs75328896, ClinGen allele CA1857252.

ClinVar aggregate classification (germline): Benign/Likely benign. Review status: criteria provided, multiple submitters, no conflicts (2 of 4 stars). 4 submissions from 4 submitters: Benign (1); Likely benign (2). 1 of the submissions does not count toward it. Last evaluated 2026-01-06.

Conditions:
BIN1-related disorder. Also called: BIN1-related condition.
Myopathy, centronuclear, 2 (CNM2). Also called: MYOTUBULAR MYOPATHY, AUTOSOMAL RECESSIVE. Identifiers: Orphanet 169186, MedGen CN031787, MONDO:0009709, OMIM 255200.

Allele frequency attached by ClinVar (database versions not stated): gnomAD exomes 0.00043; ExAC 0.00091; 1000 Genomes Project 30x 0.00141; 1000 Genomes Project 0.00160; ESP Exome Variant Server 0.00193; gnomAD 0.00206 and 0.00222; TOPMed 0.00237.
gnomAD v4.1: 572 of 1,571,044 alleles (0.036%); highest among the groups gnomAD compares: African/African-American, 0.71%; 2 homozygotes.

Submissions (4):

Labcorp Genetics (formerly Invitae), Labcorp
Classification: Benign for Myopathy, centronuclear, 2. Last evaluated: 2026-01-06. Review status: criteria provided, single submitter. Criteria: Invitae Variant Classification Sherloc (09022015). Collection method: clinical testing. Allele origin: germline.

Blueprint Genetics
Classification: Likely benign. Last evaluated: 2024-09-03. Review status: criteria provided, single submitter. Criteria: ACMG Guidelines, 2015. Collection method: clinical testing. Allele origin: germline.

GeneDx
Classification: Likely benign. Last evaluated: 2017-06-05. Review status: criteria provided, single submitter. Criteria: GeneDx Variant Classification (06012015). Collection method: clinical testing. Allele origin: germline. Affected: yes.
Comment: This variant is considered likely benign or benign based on one or more of the following criteria: it is a conservative change, it occurs at a poorly conserved position in the protein, it is predicted to be benign by multiple in silico algorithms, and/or has population frequency not consistent with disease.

PreventionGenetics, part of Exact Sciences
Classification: Benign for BIN1-related condition. Last evaluated: 2019-12-30. Review status: no assertion criteria provided. Collection method: clinical testing. Allele origin: germline. Not counted in ClinVar's aggregate classification.
Comment: This variant is classified as benign based on ACMG/AMP sequence variant interpretation guidelines (Richards et al. 2015 PMID: 25741868, with internal and published modifications).